The following is an entry in ClinVar:

ClinVar aggregate classification (germline): Likely benign (1 of 4 stars; one submission).

Submission:

CeGaT Center for Human Genetics Tuebingen
Classification: Likely benign. Last evaluated: 2025-11-01. Review status: criteria provided, single submitter. Criteria: CeGaT Center For Human Genetics Tuebingen Variant Classification Criteria Version 2. Collection method: clinical testing. Allele origin: germline. Affected: yes. Observed: 1 variant allele.
Comment: KNL1: BP4, BP7

NM_144508.5(KNL1):c.3462C>T (p.Thr1154=)

Gene: KNL1 (kinetochore scaffold 1; plus strand). Cytogenetic location: 15q15.1.
Variant type: single nucleotide variant.
Coding change: c.3462C>T on transcript NM_144508.5 (MANE Select); coding-DNA position 3462, C replaced by T.
Protein change: p.Thr1154=; no amino-acid change (threonine 1154 retained).
Molecular consequence: synonymous variant.
Genome position (GRCh38, 1-based): chr15:40,623,726, C>T. VCF-style: chr15-40623726-C-T. GRCh37 (hg19) VCF-style: chr15-40915924-C-T.
Other names: c.3540C>T, p.Thr1180= (NM_170589.5).
Identifiers: ClinVar variation 4534157 (VCV004534157.6).